The following is an entry in ClinVar:

ClinVar aggregate classification (germline): Uncertain significance (1 of 4 stars; one submission).

Allele frequency attached by ClinVar (database versions not stated): ExAC 0.00001; gnomAD 0.00001; gnomAD exomes 0.00001; 1000 Genomes Project 30x 0.00016; 1000 Genomes Project 0.00020.
gnomAD v4.1: 17 of 1,611,502 alleles (0.0011%); highest among the groups gnomAD compares: East Asian, 0.016%; no homozygotes.

Submission:

Labcorp Genetics (formerly Invitae), Labcorp
Classification: Uncertain significance. Last evaluated: 2021-11-30. Review status: criteria provided, single submitter. Criteria: Invitae Variant Classification Sherloc (09022015). Collection method: clinical testing. Allele origin: germline.
Comment: In summary, the available evidence is currently insufficient to determine the role of this variant in disease. Therefore, it has been classified as a Variant of Uncertain Significance. Algorithms developed to predict the effect of missense changes on protein structure and function are either unavailable or do not agree on the potential impact of this missense change (SIFT: "Deleterious"; PolyPhen-2: "Probably Damaging"; Align-GVGD: "Class C15"). This variant has not been reported in the literature in individuals affected with KANK2-related conditions. This variant is present in population databases (rs573315769, gnomAD 0.007%). This sequence change replaces threonine, which is neutral and polar, with methionine, which is neutral and non-polar, at codon 127 of the KANK2 protein (p.Thr127Met).

NM_001136191.3(KANK2):c.380C>T (p.Thr127Met)

Gene: KANK2 (KN motif and ankyrin repeat domains 2; minus strand). Cytogenetic location: 19p13.2.
Variant type: single nucleotide variant.
Coding change: c.380C>T on transcript NM_001136191.3 (MANE Select); coding-DNA position 380, C replaced by T.
Protein change: p.Thr127Met; replaces threonine 127 with methionine.
Molecular consequence: missense variant.
Genome position (GRCh38, 1-based): chr19:11,193,700, G>A on the plus strand (C>T on the coding strand, the complement: KANK2 is on the minus strand). VCF-style: chr19-11193700-G-A. GRCh37 (hg19) VCF-style: chr19-11304376-G-A.
Other names: c.380C>T, p.Thr127Met (NM_001329451.2, NM_001379548.1, NM_001379549.1 and 15 more transcripts); short protein forms T127M.
Identifiers: ClinVar variation 1360410 (VCV001360410.6), dbSNP rs573315769, ClinGen allele CA9206085.